The following is an entry in ClinVar:

NM_005198.5(CHKB):c.556del (p.His186fs)

Genes: CHKB-CPT1B (CHKB-CPT1B readthrough (NMD candidate); minus strand), CHKB (choline kinase beta; minus strand). Cytogenetic location: 22q13.33.
Variant type: Deletion.
Coding change: c.556del on transcript NM_005198.5 (MANE Select); coding-DNA position 556, one base deleted (C; older notation c.556delC).
Protein change: p.His186fs; shifts the reading frame from histidine 186.
Molecular consequence: frameshift variant. On other transcripts: non-coding transcript variant (1).
Genome position (GRCh38, 1-based): chr22:50,581,445, G deleted on the plus strand (C on the coding strand, the reverse complement: CHKB is on the minus strand); the first of 4 consecutive G bases (chr22:50,581,445-50,581,448); deleting any one gives the same sequence. VCF-style (leftmost placement, unchanged base first): chr22-50581444-TG-T. GRCh37 (hg19) VCF-style: chr22-51019873-TG-T.
Other names: short protein forms H186fs.
Identifiers: ClinVar variation 2766178 (VCV002766178.3), dbSNP rs2522783978, ClinGen allele CA2697552845.

ClinVar aggregate classification (germline): Pathogenic (1 of 4 stars; one submission).

Conditions:
Megaconial type congenital muscular dystrophy (MDCMC). Also called: MUSCULAR DYSTROPHY, CONGENITAL, WITH MITOCHONDRIAL STRUCTURAL ABNORMALITIES; CHKB-Related Muscle Diseases; CHKB-Related Muscular Dystrophy. Identifiers: Orphanet 280671, MedGen C1865233, MONDO:0011246, OMIM 602541.

Submission:

Labcorp Genetics (formerly Invitae), Labcorp
Classification: Pathogenic for Megaconial type congenital muscular dystrophy. Last evaluated: 2023-10-05. Review status: criteria provided, single submitter. Criteria: Invitae Variant Classification Sherloc (09022015). Collection method: clinical testing. Allele origin: germline.
Comment: This sequence change creates a premature translational stop signal (p.His186Thrfs*11) in the CHKB gene. It is expected to result in an absent or disrupted protein product. Loss-of-function variants in CHKB are known to be pathogenic (PMID: 21665002). This variant is not present in population databases (gnomAD no frequency). This variant has not been reported in the literature in individuals affected with CHKB-related conditions. For these reasons, this variant has been classified as Pathogenic.

Literature cited by the submitters: PubMed 21665002.